The following is an entry in ClinVar:

ClinVar aggregate classification (germline): Uncertain significance (1 of 4 stars; one submission).

Submission:

GeneDx
Classification: Uncertain significance. Last evaluated: 2022-10-26. Review status: criteria provided, single submitter. Criteria: GeneDx Variant Classification Process June 2021. Collection method: clinical testing. Allele origin: germline. Affected: yes.
Comment: Not observed at significant frequency in large population cohorts (gnomAD); In silico analysis supports that this missense variant has a deleterious effect on protein structure/function; Has not been previously published as pathogenic or benign to our knowledge

NM_021956.5(GRIK2):c.860C>A (p.Thr287Asn)

Gene: GRIK2 (glutamate ionotropic receptor kainate type subunit 2; plus strand). Cytogenetic location: 6q16.3.
Variant type: single nucleotide variant.
Coding change: c.860C>A on transcript NM_021956.5 (MANE Select); coding-DNA position 860, C replaced by A.
Protein change: p.Thr287Asn; replaces threonine 287 with asparagine.
Molecular consequence: missense variant.
Genome position (GRCh38, 1-based): chr6:101,686,262, C>A. VCF-style: chr6-101686262-C-A. GRCh37 (hg19) VCF-style: chr6-102134137-C-A.
Other names: c.860C>A, p.Thr287Asn (NM_001166247.1, NM_175768.3); short protein forms T287N.
Identifiers: ClinVar variation 2500408 (VCV002500408.1), dbSNP rs2483381199, ClinGen allele CA365307189.
Genomic context (GRCh38, chr6:101,686,262, plus strand): 5'-AGCCCTACCGATACAGTGGTGTTAACATGACAGGGTTCAGAATATTAAATACAGAAAATA[C>A]CCAAGTCTCCTCCATCATTGAAAAGTGGTCGATGGAACGATTGCAGGCACCTCCGAAACC-3'
Protein context (NP_068775.1, residues 277-297): TGFRILNTEN[Thr287Asn]QVSSIIEKWS